The following is an entry in ClinVar:

ClinVar aggregate classification (germline): Uncertain significance. Review status: criteria provided, multiple submitters, no conflicts (2 of 4 stars). 2 submissions from 2 submitters: Uncertain significance (2). Last evaluated 2023-06-06.

Conditions:
Inborn genetic diseases. Identifiers: MedGen C0950123, MeSH D030342.
Cortical dysplasia-focal epilepsy syndrome (PTHSL1). Also called: Pitt-Hopkins-like syndrome 1. Identifiers: Orphanet 163681, Orphanet 221150, MedGen C2750246, MONDO:0012400, OMIM 610042.

Allele frequency attached by ClinVar (database versions not stated): gnomAD exomes below 0.00001; gnomAD 0.00001; TOPMed 0.00001.
gnomAD v4.1: 4 of 1,613,902 alleles (0.00025%); highest among the groups gnomAD compares: Admixed American, 0.0017%; no homozygotes.

Submissions (2):

Ambry Genetics
Classification: Uncertain significance for Inborn genetic diseases. Last evaluated: 2023-06-06. Review status: criteria provided, single submitter. Criteria: Ambry Variant Classification Scheme 2023. Collection method: clinical testing. Allele origin: germline.

Labcorp Genetics (formerly Invitae), Labcorp
Classification: Uncertain significance for Cortical dysplasia-focal epilepsy syndrome. Last evaluated: 2022-03-12. Review status: criteria provided, single submitter. Criteria: Invitae Variant Classification Sherloc (09022015). Collection method: clinical testing. Allele origin: germline.
Comment: This sequence change replaces tyrosine, which is neutral and polar, with cysteine, which is neutral and slightly polar, at codon 312 of the CNTNAP2 protein (p.Tyr312Cys). This variant is present in population databases (no rsID available, gnomAD 0.003%). This variant has not been reported in the literature in individuals affected with CNTNAP2-related conditions. ClinVar contains an entry for this variant (Variation ID: 1058409). Algorithms developed to predict the effect of missense changes on protein structure and function are either unavailable or do not agree on the potential impact of this missense change (SIFT: "Deleterious"; PolyPhen-2: "Probably Damaging"; Align-GVGD: "Class C0"). Algorithms developed to predict the effect of sequence changes on RNA splicing suggest that this variant may create or strengthen a splice site. In summary, the available evidence is currently insufficient to determine the role of this variant in disease. Therefore, it has been classified as a Variant of Uncertain Significance.

NM_014141.6(CNTNAP2):c.935A>G (p.Tyr312Cys)

Gene: CNTNAP2 (contactin associated protein 2; plus strand). Cytogenetic location: 7q35.
Variant type: single nucleotide variant.
Coding change: c.935A>G on transcript NM_014141.6 (MANE Select); coding-DNA position 935, A replaced by G.
Protein change: p.Tyr312Cys; replaces tyrosine 312 with cysteine.
Molecular consequence: missense variant.
Genome position (GRCh38, 1-based): chr7:147,121,159, A>G. VCF-style: chr7-147121159-A-G. GRCh37 (hg19) VCF-style: chr7-146818251-A-G.
Other names: c.935A>G (NM_014141.5); short protein forms Y312C.
Identifiers: ClinVar variation 1058409 (VCV001058409.7), dbSNP rs1361533128, ClinGen allele CA369924096.
Genomic context (GRCh38, chr7:147,121,159, plus strand): 5'-TGGACAGGAGCATGCAGCACTTCCGTACCAATGGAGAGTTTGACTACCTGGACTTGGACT[A>G]TGAGGTACATGTGATGACGTAGAAATTGTAATAAAATGTCAAGCAATTGTGTCACTCTCC-3'
Protein context (NP_054860.1, residues 302-322): NGEFDYLDLD[Tyr312Cys]EITFGGIPFS